The following is an entry in ClinVar:

ClinVar aggregate classification (germline): Uncertain significance. Review status: criteria provided, single submitter (1 of 4 stars). 2 submissions from 2 submitters: Uncertain significance (1). 1 of the submissions does not count toward it. Last evaluated 2022-06-20.

Conditions:
Retinitis pigmentosa 25 (RP25). Identifiers: Orphanet 791, MedGen C1864446, MONDO:0011272, OMIM 602772.

Allele frequency attached by ClinVar (database versions not stated): gnomAD 0.00001.
gnomAD v4.1: 17 of 1,551,130 alleles (0.0011%); highest among the groups gnomAD compares: Non-Finnish European, 0.0014%; no homozygotes.

Submissions (2):

Labcorp Genetics (formerly Invitae), Labcorp
Classification: Uncertain significance. Last evaluated: 2022-06-20. Review status: criteria provided, single submitter. Criteria: Invitae Variant Classification Sherloc (09022015). Collection method: clinical testing. Allele origin: germline.
Comment: This sequence change replaces threonine, which is neutral and polar, with arginine, which is basic and polar, at codon 1760 of the EYS protein (p.Thr1760Arg). This variant is not present in population databases (gnomAD no frequency). This variant has not been reported in the literature in individuals affected with EYS-related conditions. ClinVar contains an entry for this variant (Variation ID: 1024969). Algorithms developed to predict the effect of missense changes on protein structure and function (SIFT, PolyPhen-2, Align-GVGD) all suggest that this variant is likely to be tolerated. In summary, the available evidence is currently insufficient to determine the role of this variant in disease. Therefore, it has been classified as a Variant of Uncertain Significance.

Natera, Inc.
Classification: Uncertain significance for Retinitis pigmentosa type 25. Last evaluated: 2020-08-06. Review status: no assertion criteria provided. Collection method: clinical testing. Allele origin: germline. Not counted in ClinVar's aggregate classification.

NM_001142800.2(EYS):c.5279C>G (p.Thr1760Arg)

Gene: EYS (eyes shut homolog; minus strand). Cytogenetic location: 6q12.
Variant type: single nucleotide variant.
Coding change: c.5279C>G on transcript NM_001142800.2 (MANE Select); coding-DNA position 5279, C replaced by G.
Protein change: p.Thr1760Arg; replaces threonine 1760 with arginine.
Molecular consequence: missense variant.
Genome position (GRCh38, 1-based): chr6:64,590,588, G>C on the plus strand (C>G on the coding strand, the complement: EYS is on the minus strand). VCF-style: chr6-64590588-G-C. GRCh37 (hg19) VCF-style: chr6-65300481-G-C.
Other names: c.5279C>G, p.Thr1760Arg (NM_001292009.2); short protein forms T1760R.
Identifiers: ClinVar variation 1024969 (VCV001024969.8), dbSNP rs1423659317, ClinGen allele CA364781443.